The following is an entry in ClinVar:

NM_000550.3(TYRP1):c.418G>T (p.Glu140Ter)

Gene: TYRP1 (tyrosinase related protein 1; plus strand). Cytogenetic location: 9p23.
Variant type: single nucleotide variant.
Coding change: c.418G>T on transcript NM_000550.3 (MANE Select); coding-DNA position 418, G replaced by T.
Protein change: p.Glu140Ter; replaces glutamic acid 140 with a stop codon.
Molecular consequence: nonsense.
Genome position (GRCh38, 1-based): chr9:12,695,547, G>T. VCF-style: chr9-12695547-G-T. GRCh37 (hg19) VCF-style: chr9-12695547-G-T.
Other names: c.418G>T (NM_000550.2); short protein forms E140*.
Identifiers: ClinVar variation 1458626 (VCV001458626.9), dbSNP rs371209698, ClinGen allele CA189306171.

ClinVar aggregate classification (germline): Pathogenic. Review status: criteria provided, multiple submitters, no conflicts (2 of 4 stars). 3 submissions from 3 submitters: Pathogenic (2). 1 of the submissions does not count toward it. Last evaluated 2025-01-01.

Conditions:
Oculocutaneous albinism type 3 (OCA3). Also called: Rufous OCA; Rufous albinism; ALBINISM III; Albinism, oculocutaneous, type III; RUFOUS OCULOCUTANEOUS ALBINISM; XANTHISM. Identifiers: Orphanet 79433, MedGen C0342683, MONDO:0008747, OMIM 203290.
MELANESIAN BLOND HAIR (SHEP11). Also called: Skin/hair/eye pigmentation, variation in, 11; SKIN/HAIR/EYE PIGMENTATION 11, BLUE/NONBLUE EYES. Identifiers: MedGen C2677086, OMIM 612271.
TYRP1-related disorder. Also called: TYRP1-related condition.

Allele frequency attached by ClinVar (database versions not stated): TOPMed below 0.00001; gnomAD 0.00001; gnomAD exomes 0.00001; ESP Exome Variant Server 0.00008.
gnomAD v4.1: 16 of 1,613,978 alleles (0.00099%); highest among the groups gnomAD compares: African/African-American, 0.0013%; no homozygotes.

Submissions (3):

Laboratory of Genetic Epidemiology, Research Centre for Medical Genetics
Classification: Pathogenic for MELANESIAN BLOND HAIR; Oculocutaneous albinism type 3. Last evaluated: 2025-01-01. Review status: criteria provided, single submitter. Criteria: ACMG Guidelines, 2015. Collection method: clinical testing. Allele origin: unknown. Inheritance: Autosomal recessive inheritance. Affected: yes. Observed: 1 homozygote.
Comment: This variant has been previously reported in the literature (PMIDs: 27734839, 34897530) and is listed in gnomAD v3.1.2 with allele frequency 0.000006 (1/152122). Taken together, the variant meets the following ACMG/AMP criteria and can be classified as pathogenic with PM2, PVS1, PM3, PP4 criteria.

Labcorp Genetics (formerly Invitae), Labcorp
Classification: Pathogenic. Last evaluated: 2024-02-25. Review status: criteria provided, single submitter. Criteria: Invitae Variant Classification Sherloc (09022015). Collection method: clinical testing. Allele origin: germline.
Comment: This sequence change creates a premature translational stop signal (p.Glu140*) in the TYRP1 gene. It is expected to result in an absent or disrupted protein product. Loss-of-function variants in TYRP1 are known to be pathogenic (PMID: 8651291, 9345097). This variant is present in population databases (rs371209698, gnomAD 0.004%). This premature translational stop signal has been observed in individual(s) with oculocutaneous albinism (PMID: 27734839). ClinVar contains an entry for this variant (Variation ID: 1458626). Algorithms developed to predict the effect of sequence changes on RNA splicing suggest that this variant may disrupt the consensus splice site. For these reasons, this variant has been classified as Pathogenic.

PreventionGenetics, part of Exact Sciences
Classification: Pathogenic for TYRP1-related condition. Last evaluated: 2023-12-15. Review status: no assertion criteria provided. Collection method: clinical testing. Allele origin: germline. Not counted in ClinVar's aggregate classification.
Comment: The TYRP1 c.418G>T variant is predicted to result in premature protein termination (p.Glu140*). This variant has been reported in the compound heterozygous state in an individual with oculocutaneous albinism (Table 1, Mauri et al. 2017. PubMed ID: 27734839). This variant is reported in 0.0040% of alleles in individuals of African descent in gnomAD. Nonsense variants in TYRP1 are expected to be pathogenic. This variant is interpreted as pathogenic.

Literature cited by the submitters: PubMed 27734839 (cited by Laboratory of Genetic Epidemiology, Research Centre for Medical Genetics and Labcorp Genetics (formerly Invitae), Labcorp); PubMed 34897530 (cited by Laboratory of Genetic Epidemiology, Research Centre for Medical Genetics); PubMed 41428507 (cited by Laboratory of Genetic Epidemiology, Research Centre for Medical Genetics); PubMed 8651291 (cited by Labcorp Genetics (formerly Invitae), Labcorp); PubMed 9345097 (cited by Labcorp Genetics (formerly Invitae), Labcorp).